The following is an entry in ClinVar:

NM_001267550.2(TTN):c.91520C>T (p.Pro30507Leu)

Genes: TTN-AS1 (TTN antisense RNA 1; plus strand), TTN (titin; minus strand). Cytogenetic location: 2q31.2.
Variant type: single nucleotide variant.
Coding change: c.91520C>T on transcript NM_001267550.2 (MANE Select); coding-DNA position 91520, C replaced by T.
Protein change: p.Pro30507Leu; replaces proline 30507 with leucine.
Molecular consequence: missense variant.
Genome position (GRCh38, 1-based): chr2:178,551,011, G>A on the plus strand (C>T on the coding strand, the complement: TTN is on the minus strand). VCF-style: chr2-178551011-G-A. GRCh37 (hg19) VCF-style: chr2-179415738-G-A.
Other names: p.Pro28866Leu; c.91520C>T (NM_001267550.1); c.86597C>T, p.Pro28866Leu (NM_001256850.1); c.64325C>T, p.Pro21442Leu (NM_003319.4); c.83816C>T, p.Pro27939Leu (NM_133378.4); c.64700C>T, p.Pro21567Leu (NM_133432.3); c.64901C>T, p.Pro21634Leu (NM_133437.4); short protein forms P30507L, P21442L, P21567L, P27939L, P28866L, P21634L.
Identifiers: ClinVar variation 467640 (VCV000467640.12), dbSNP rs774107448, ClinGen allele CA1987621.

ClinVar aggregate classification (germline): Uncertain significance. Review status: criteria provided, multiple submitters, no conflicts (2 of 4 stars). 8 submissions from 8 submitters: Uncertain significance (8). Last evaluated 2026-06-01.

Conditions:
Cardiovascular phenotype. Identifiers: MedGen CN230736.
TTN-related disorder. Also called: TTN-related disorders; TTN-related condition; TTN-related disease.
Early-onset myopathy with fatal cardiomyopathy (CMYO5). Also called: Salih Myopathy; CONGENITAL MYOPATHY 5 WITH CARDIOMYOPATHY. Identifiers: Orphanet 289377, MedGen C2673677, MONDO:0012714, OMIM 611705. Disease mechanism: loss of function.
Tibial muscular dystrophy (TMD). Also called: UDD MYOPATHY; Tibial muscular dystrophy, tardive; Udd Distal Myopathy – Tibial Muscular Dystrophy. Identifiers: Orphanet 609, MedGen C1838244, MONDO:0010870, OMIM 600334.
Dilated cardiomyopathy 1G (CMD1G). Identifiers: Orphanet 154, MedGen C1858763, MONDO:0011400, OMIM 604145.
Myopathy, myofibrillar, 9, with early respiratory failure (MFM9). Also called: Hereditary myopathy with early respiratory failure; MYOPATHY, PROXIMAL, WITH EARLY RESPIRATORY MUSCLE INVOLVEMENT; Myopathy, distal, with early respiratory failure, autosomal dominant; EDSTROM MYOPATHY. Identifiers: Orphanet 178464, Orphanet 34521, MedGen C1863599, MONDO:0011362, OMIM 603689.
Hypertrophic cardiomyopathy 9. Also called: Familial hypertrophic cardiomyopathy 9. Identifiers: MedGen C1861065, MONDO:0013412, OMIM 613765.
Autosomal recessive limb-girdle muscular dystrophy type 2J (LGMDR10). Also called: Limb-girdle muscular dystrophy, type 2J; MUSCULAR DYSTROPHY, LIMB-GIRDLE, AUTOSOMAL RECESSIVE 10. Identifiers: Orphanet 140922, MedGen C1837342, MONDO:0012127, OMIM 608807.

Allele frequency attached by ClinVar (database versions not stated): gnomAD 0.00001 and 0.00003; gnomAD exomes 0.00002; ExAC 0.00003; TOPMed 0.00004.
gnomAD v4.1: 26 of 1,613,070 alleles (0.0016%); highest among the groups gnomAD compares: Middle Eastern, 0.016%; no homozygotes.

Submissions (8):

CeGaT Center for Human Genetics Tuebingen
Classification: Uncertain significance. Last evaluated: 2026-06-01. Review status: criteria provided, single submitter. Criteria: CeGaT Center For Human Genetics Tuebingen Variant Classification Criteria Version 2. Collection method: clinical testing. Allele origin: germline. Affected: yes. Observed: 1 variant allele.
Comment: TTN: PM2

PreventionGenetics, part of Exact Sciences
Classification: Uncertain significance for TTN-related condition. Last evaluated: 2025-09-08. Review status: criteria provided, single submitter. Criteria: ACMG Guidelines, 2015. Collection method: clinical testing. Allele origin: germline.
Comment: The TTN c.91520C>T variant is predicted to result in the amino acid substitution p.Pro30507Leu. To our knowledge, this variant has not been reported in the literature. This variant is reported in 0.0058% of alleles in individuals of Latino descent in gnomAD. At this time, the clinical significance of this variant is uncertain due to the absence of conclusive functional and genetic evidence.

Mayo Clinic Laboratories, Mayo Clinic
Classification: Uncertain significance. Last evaluated: 2025-07-22. Review status: criteria provided, single submitter. Criteria: ACMG Guidelines, 2015. Collection method: clinical testing. Allele origin: germline. Observed: 1 variant allele.
Comment: PM2_supporting

GeneDx
Classification: Uncertain significance. Last evaluated: 2024-08-30. Review status: criteria provided, single submitter. Criteria: GeneDx Variant Classification Process June 2021. Collection method: clinical testing. Allele origin: germline. Affected: yes.
Comment: Not observed at significant frequency in large population cohorts (gnomAD); Missense variant in a gene in which most reported pathogenic variants are truncating/loss of function; Has not been previously published as pathogenic or benign to our knowledge; Located in the A-band region of TTN in which the majority of loss of function variants have been associated with autosomal dominant titinopathies (PMID: 22335739)

Athena Diagnostics
Classification: Uncertain significance. Last evaluated: 2024-03-05. Review status: criteria provided, single submitter. Criteria: Athena Diagnostics Criteria. Collection method: clinical testing. Allele origin: unknown.
Comment: Available data are insufficient to determine the clinical significance of the variant at this time. The frequency of this variant in the general population is uninformative in assessment of its pathogenicity. Computational tools disagree on the variant's effect on normal protein function.

Fulgent Genetics
Classification: Uncertain significance for Tibial muscular dystrophy; Myopathy, myofibrillar, 9, with early respiratory failure; Dilated cardiomyopathy 1G; Autosomal recessive limb-girdle muscular dystrophy type 2J; Early-onset myopathy with fatal cardiomyopathy; Hypertrophic cardiomyopathy 9. Last evaluated: 2018-10-31. Review status: criteria provided, single submitter. Criteria: ACMG Guidelines, 2015. Collection method: clinical testing. Allele origin: unknown.

Ambry Genetics
Classification: Uncertain significance for Cardiovascular phenotype. Last evaluated: 2018-10-06. Review status: criteria provided, single submitter. Criteria: Ambry Variant Classification Scheme 2023. Collection method: clinical testing. Allele origin: germline.
Comment: The p.P21442L variant (also known as c.64325C>T), located in coding exon 163 of the TTN gene, results from a C to T substitution at nucleotide position 64325. The proline at codon 21442 is replaced by leucine, an amino acid with similar properties. This amino acid position is highly conserved in available vertebrate species. In addition, this alteration is predicted to be tolerated by in silico analysis. Since supporting evidence is limited at this time, the clinical significance of this alteration remains unclear.

Labcorp Genetics (formerly Invitae), Labcorp
Classification: Uncertain significance for Dilated cardiomyopathy 1G; Autosomal recessive limb-girdle muscular dystrophy type 2J. Last evaluated: 2017-04-21. Review status: criteria provided, single submitter. Criteria: Invitae Variant Classification Sherloc (09022015). Collection method: clinical testing. Allele origin: germline.